The following is an entry in ClinVar:

NM_025114.4(CEP290):c.2543A>C (p.Glu848Ala)

Gene: CEP290 (centrosomal protein 290; minus strand). Cytogenetic location: 12q21.32.
Variant type: single nucleotide variant.
Coding change: c.2543A>C on transcript NM_025114.4 (MANE Select); coding-DNA position 2543, A replaced by C.
Protein change: p.Glu848Ala; replaces glutamic acid 848 with alanine.
Molecular consequence: missense variant.
Genome position (GRCh38, 1-based): chr12:88,107,039, T>G on the plus strand (A>C on the coding strand, the complement: CEP290 is on the minus strand). VCF-style: chr12-88107039-T-G. GRCh37 (hg19) VCF-style: chr12-88500816-T-G.
Other names: short protein forms E848A.
Identifiers: ClinVar variation 4852754 (VCV004852754.2).
Genomic context (GRCh38, chr12:88,107,039, plus strand): 5'-AAAAATGTTTTACTTACATTATATTCTTTTACTTTTATAGCATCTTGTTGGACTTGATCC[T>G]CAAGTTTTCTCTTTTCCTCTTTTATTGTTTTAGATTCTGTTTTCCAGGTCTCCTTTTCAC-3'
Protein context (NP_079390.3, residues 838-858): KTIKEEKRKL[Glu848Ala]DQVQQDAIKV

ClinVar aggregate classification (germline): Likely benign (1 of 4 stars; one submission).

Submission:

Dasa
Classification: Likely benign. Last evaluated: 2025-04-25. Review status: criteria provided, single submitter. Criteria: DASA Assertion Criteria. Collection method: clinical testing. Allele origin: germline.
Comment: NM_025114.4(CEP290):c.2543A>C (p.Glu848Ala) is a missense variant that results in the substitution of glutamic acid with alanine. The variant context is inconsistent with a known disease-causing mechanism. Computational prediction algorithms are consistent with a benign effect. Therefore, based on the currently available evidence, this variant is classified as likely benign.